The following is an entry in ClinVar:

NM_001018113.3(FANCB):c.1288G>T (p.Val430Phe)

Gene: FANCB (FA complementation group B; minus strand). Cytogenetic location: Xp22.2.
Variant type: single nucleotide variant.
Coding change: c.1288G>T on transcript NM_001018113.3 (MANE Select); coding-DNA position 1288, G replaced by T.
Protein change: p.Val430Phe; replaces valine 430 with phenylalanine.
Molecular consequence: missense variant.
Genome position (GRCh38, 1-based): chrX:14,853,077, C>A on the plus strand (G>T on the coding strand, the complement: FANCB is on the minus strand). VCF-style: chrX-14853077-C-A. GRCh37 (hg19) VCF-style: chrX-14871199-C-A.
Other names: c.1288G>T, p.Val430Phe (NM_001324162.2, NM_001410764.1, NM_152633.4); short protein forms V430F.
Identifiers: ClinVar variation 3687126 (VCV003687126.2).

ClinVar aggregate classification (germline): Uncertain significance (1 of 4 stars; one submission).

Conditions:
Fanconi anemia (FA). Also called: Fanconi's anemia. Identifiers: Orphanet 84, MedGen C0015625, MeSH D005199, MONDO:0019391.

gnomAD v4.1: 1 of 1,200,885 alleles (0.000083%); no homozygotes.

Submission:

Labcorp Genetics (formerly Invitae), Labcorp
Classification: Uncertain significance for Fanconi anemia. Last evaluated: 2024-12-24. Review status: criteria provided, single submitter. Criteria: Invitae Variant Classification Sherloc (09022015). Collection method: clinical testing. Allele origin: germline.
Comment: This sequence change replaces valine, which is neutral and non-polar, with phenylalanine, which is neutral and non-polar, at codon 430 of the FANCB protein (p.Val430Phe). This variant is not present in population databases (gnomAD no frequency). This variant has not been reported in the literature in individuals affected with FANCB-related conditions. Invitae Evidence Modeling of protein sequence and biophysical properties (such as structural, functional, and spatial information, amino acid conservation, physicochemical variation, residue mobility, and thermodynamic stability) indicates that this missense variant is not expected to disrupt FANCB protein function with a negative predictive value of 80%. In summary, the available evidence is currently insufficient to determine the role of this variant in disease. Therefore, it has been classified as a Variant of Uncertain Significance.